The following is an entry in ClinVar:

NM_001655.5(ARCN1):c.1200T>A (p.Asp400Glu)

Gene: ARCN1 (archain 1 coat protein complex I subunit delta; plus strand). Cytogenetic location: 11q23.3.
Variant type: single nucleotide variant.
Coding change: c.1200T>A on transcript NM_001655.5 (MANE Select); coding-DNA position 1200, T replaced by A.
Protein change: p.Asp400Glu; replaces aspartic acid 400 with glutamic acid.
Molecular consequence: missense variant.
Genome position (GRCh38, 1-based): chr11:118,593,657, T>A. VCF-style: chr11-118593657-T-A. GRCh37 (hg19) VCF-style: chr11-118464372-T-A.
Other names: c.936T>A, p.Asp312Glu (NM_001142281.2, NM_001425081.1); c.1200T>A, p.Asp400Glu (NM_001425073.1, NM_001425078.1); c.1197T>A, p.Asp399Glu (NM_001425074.1, NM_001425079.1); c.1143T>A, p.Asp381Glu (NM_001425075.1); c.1131T>A, p.Asp377Glu (NM_001425076.1); c.1035T>A, p.Asp345Glu (NM_001425077.1); c.756T>A, p.Asp252Glu (NM_001425080.1); c.1200T>A (NM_001655.4); short protein forms D400E, D312E, D345E, D381E, D399E, D252E, D377E.
Identifiers: ClinVar variation 2916211 (VCV002916211.4), dbSNP rs1014561235, ClinGen allele CA229546796.

ClinVar aggregate classification (germline): Uncertain significance. Review status: criteria provided, multiple submitters, no conflicts (2 of 4 stars). 2 submissions from 2 submitters: Uncertain significance (2). Last evaluated 2025-10-14.

Conditions:
Inborn genetic diseases. Identifiers: MedGen C0950123, MeSH D030342.

Allele frequency attached by ClinVar (database versions not stated): gnomAD exomes 0.00001; gnomAD 0.00002; TOPMed 0.00002.
gnomAD v4.1: 24 of 1,613,518 alleles (0.0015%); highest among the groups gnomAD compares: African/African-American, 0.0027%; no homozygotes.

Submissions (2):

Ambry Genetics
Classification: Uncertain significance for Inborn genetic diseases. Last evaluated: 2025-10-14. Review status: criteria provided, single submitter. Criteria: Ambry Variant Classification Scheme 2023. Collection method: clinical testing. Allele origin: germline.

Labcorp Genetics (formerly Invitae), Labcorp
Classification: Uncertain significance. Last evaluated: 2024-08-23. Review status: criteria provided, single submitter. Criteria: Invitae Variant Classification Sherloc (09022015). Collection method: clinical testing. Allele origin: germline.
Comment: This sequence change replaces aspartic acid, which is acidic and polar, with glutamic acid, which is acidic and polar, at codon 400 of the ARCN1 protein (p.Asp400Glu). This variant is present in population databases (no rsID available, gnomAD 0.002%). This variant has not been reported in the literature in individuals affected with ARCN1-related conditions. An algorithm developed to predict the effect of missense changes on protein structure and function outputs the following: PolyPhen-2: "Benign". The glutamic acid amino acid residue is found in multiple mammalian species, which suggests that this missense change does not adversely affect protein function. In summary, the available evidence is currently insufficient to determine the role of this variant in disease. Therefore, it has been classified as a Variant of Uncertain Significance.